The following is an entry in ClinVar:

ClinVar aggregate classification (germline): Uncertain significance (1 of 4 stars; one submission).

Allele frequency attached by ClinVar (database versions not stated): gnomAD exomes below 0.00001.
gnomAD v4.1: 1 of 1,539,888 alleles (0.000065%); highest among the groups gnomAD compares: Non-Finnish European, 0.000087%; no homozygotes.

Submission:

Athena Diagnostics
Classification: Uncertain significance. Last evaluated: 2023-08-15. Review status: criteria provided, single submitter. Criteria: Athena Diagnostics Criteria. Collection method: clinical testing. Allele origin: unknown.
Comment: Available data are insufficient to determine the clinical significance of the variant at this time. This variant has not been reported in large, multi-ethnic general populations. Computational tools predict that this variant is not damaging.

NM_000435.3(NOTCH3):c.6505C>T (p.Pro2169Ser)

Gene: NOTCH3 (notch receptor 3; minus strand). Cytogenetic location: 19p13.12.
Variant type: single nucleotide variant.
Coding change: c.6505C>T on transcript NM_000435.3 (MANE Select); coding-DNA position 6505, C replaced by T.
Protein change: p.Pro2169Ser; replaces proline 2169 with serine.
Molecular consequence: missense variant.
Genome position (GRCh38, 1-based): chr19:15,161,123, G>A on the plus strand (C>T on the coding strand, the complement: NOTCH3 is on the minus strand). VCF-style: chr19-15161123-G-A. GRCh37 (hg19) VCF-style: chr19-15271934-G-A.
Other names: short protein forms P2169S.
Identifiers: ClinVar variation 2684146 (VCV002684146.1), dbSNP rs2145381161, ClinGen allele CA404487902.